The following is an entry in ClinVar:

ClinVar aggregate classification (germline): Uncertain significance (1 of 4 stars; one submission).

gnomAD v4.1: 13 of 1,549,328 alleles (0.00084%); highest among the groups gnomAD compares: Non-Finnish European, 0.0011%; no homozygotes.

Submission:

GeneDx
Classification: Uncertain significance. Last evaluated: 2023-10-27. Review status: criteria provided, single submitter. Criteria: GeneDx Variant Classification Process June 2021. Collection method: clinical testing. Allele origin: germline. Affected: yes.
Comment: Not observed at significant frequency in large population cohorts (gnomAD); In silico analysis supports that this missense variant does not alter protein structure/function; Has not been previously published as pathogenic or benign to our knowledge

NM_001353345.2(SETD1B):c.4712C>T (p.Thr1571Ile)

Gene: SETD1B (SET domain containing 1B, histone lysine methyltransferase; plus strand). Cytogenetic location: 12q24.31.
Variant type: single nucleotide variant.
Coding change: c.4712C>T on transcript NM_001353345.2 (MANE Select); coding-DNA position 4712, C replaced by T.
Protein change: p.Thr1571Ile; replaces threonine 1571 with isoleucine.
Molecular consequence: missense variant.
Genome position (GRCh38, 1-based): chr12:121,823,291, C>T. VCF-style: chr12-121823291-C-T. GRCh37 (hg19) VCF-style: chr12-122261197-C-T.
Other names: short protein forms T1571I.
Identifiers: ClinVar variation 3363427 (VCV003363427.1).